The following is an entry in ClinVar:

NM_007192.4(SUPT16H):c.1056G>A (p.Met352Ile)

Gene: SUPT16H (SPT16 homolog, facilitates chromatin remodeling subunit; minus strand). Cytogenetic location: 14q11.2.
Variant type: single nucleotide variant.
Coding change: c.1056G>A on transcript NM_007192.4 (MANE Select); coding-DNA position 1056, G replaced by A.
Protein change: p.Met352Ile; replaces methionine 352 with isoleucine.
Molecular consequence: missense variant.
Genome position (GRCh38, 1-based): chr14:21,365,134, C>T on the plus strand (G>A on the coding strand, the complement: SUPT16H is on the minus strand). VCF-style: chr14-21365134-C-T. GRCh37 (hg19) VCF-style: chr14-21833293-C-T.
Other names: short protein forms M352I.
Identifiers: ClinVar variation 2505913 (VCV002505913.1), dbSNP rs2501765936, ClinGen allele CA388868287.

ClinVar aggregate classification (germline): Uncertain significance (1 of 4 stars; one submission).

Allele frequency attached by ClinVar (database versions not stated): gnomAD exomes below 0.00001.
gnomAD v4.1: 1 of 1,613,572 alleles (0.000062%); highest among the groups gnomAD compares: African/African-American, 0.0013%; no homozygotes.

Submission:

GeneDx
Classification: Uncertain significance. Last evaluated: 2022-12-16. Review status: criteria provided, single submitter. Criteria: GeneDx Variant Classification Process June 2021. Collection method: clinical testing. Allele origin: germline. Affected: yes.
Comment: Not observed at significant frequency in large population cohorts (gnomAD); In silico analysis supports that this missense variant does not alter protein structure/function; Has not been previously published as pathogenic or benign to our knowledge